The following is an entry in ClinVar:

NM_022773.4(LMF1):c.59C>T (p.Thr20Ile)

Genes: LMF1 (lipase maturation factor 1; minus strand), LOC130058141 (ATAC-STARR-seq lymphoblastoid silent region 6962; plus strand). Cytogenetic location: 16p13.3.
Variant type: single nucleotide variant.
Coding change: c.59C>T on transcript NM_022773.4 (MANE Select); coding-DNA position 59, C replaced by T.
Protein change: p.Thr20Ile; replaces threonine 20 with isoleucine.
Molecular consequence: missense variant. On other transcripts: 5 prime UTR variant (1), non-coding transcript variant (1), intron variant (3).
Genome position (GRCh38, 1-based): chr16:970,922, G>A on the plus strand (C>T on the coding strand, the complement: LMF1 is on the minus strand). VCF-style: chr16-970922-G-A. GRCh37 (hg19) VCF-style: chr16-1020922-G-A.
Other names: c.59C>T, p.Thr20Ile (NM_001352020.1); c.-647C>T (NM_001352021.2); c.-135+10223C>T (NM_001352019.2); c.-611+10223C>T (NM_001352017.2); c.-362+10223C>T (NM_001352018.2); short protein forms T20I.
Identifiers: ClinVar variation 3227815 (VCV003227815.1), dbSNP rs375907650, ClinGen allele CA394111634.

ClinVar aggregate classification (germline): Uncertain significance (1 of 4 stars; one submission).

Conditions:
Cardiovascular phenotype. Identifiers: MedGen CN230736.

Allele frequency attached by ClinVar (database versions not stated): TOPMed 0.00001.
gnomAD v4.1: 10 of 1,572,960 alleles (0.00064%); highest among the groups gnomAD compares: South Asian, 0.0069%; no homozygotes.

Submission:

Ambry Genetics
Classification: Uncertain significance for Cardiovascular phenotype. Last evaluated: 2024-01-03. Review status: criteria provided, single submitter. Criteria: Ambry Variant Classification Scheme 2023. Collection method: clinical testing. Allele origin: germline.
Comment: The p.T20I variant (also known as c.59C>T), located in coding exon 1 of the LMF1 gene, results from a C to T substitution at nucleotide position 59. The threonine at codon 20 is replaced by isoleucine, an amino acid with similar properties. This amino acid position is conserved. In addition, this alteration is predicted to be tolerated by in silico analysis. Since supporting evidence is limited at this time, the clinical significance of this alteration remains unclear.